The following is an entry in ClinVar:

ClinVar aggregate classification (germline): Pathogenic. Review status: criteria provided, multiple submitters, no conflicts (2 of 4 stars). 2 submissions from 2 submitters: Pathogenic (2). Last evaluated 2019-07-01.

Conditions:
DICER1-related tumor predisposition. Also called: DICER1 syndrome; DICER1-related pleuropulmonary blastoma cancer predisposition syndrome. Identifiers: Orphanet 284343, MedGen C3839822, MONDO:0100216.

Submissions (2):

Foulkes Cancer Genetics LDI, Lady Davis Institute for Medical Research
Classification: Pathogenic for Pleuropulmonary blastoma. Last evaluated: 2019-07-01. Review status: criteria provided, single submitter. Criteria: ACMG Guidelines, 2015. Collection method: curation. Allele origin: germline. Affected: yes. Observed: 2 variant alleles.
Comment: ACMG criteria met: PVS1, PM2, PP4

International Pleuropulmonary Blastoma Registry, Children's Hospitals and Clinics of Minnesota
Classification: Pathogenic for Pleuropulmonary blastoma. Last evaluated: 2014-11-10. Review status: criteria provided, single submitter. Criteria: Hill et al. (Science. 2009). Collection method: clinical testing. Allele origin: germline. Affected: yes. Study: PPB-DICER1 Genetic study.

Literature cited by the submitters: PubMed 26925222 (cited by Foulkes Cancer Genetics LDI, Lady Davis Institute for Medical Research and International Pleuropulmonary Blastoma Registry, Children's Hospitals and Clinics of Minnesota); PubMed 30178239 (cited by Foulkes Cancer Genetics LDI, Lady Davis Institute for Medical Research).

NM_177438.3(DICER1):c.3135_3137delinsTGAACTCATG (p.Ser1046fs)

Gene: DICER1 (dicer 1, ribonuclease III; minus strand). Cytogenetic location: 14q32.13.
Variant type: Indel.
Coding change: c.3135_3137delinsTGAACTCATG on transcript NM_177438.3 (MANE Select); coding-DNA positions 3135 to 3137, ATC replaced by TGAACTCATG.
Protein change: p.Ser1046fs; shifts the reading frame from serine 1046.
Molecular consequence: frameshift variant.
Genome position (GRCh38, 1-based): chr14:95,105,203-95,105,205, GAT replaced by CATGAGTTCA on the plus strand (ATC replaced by TGAACTCATG on the coding strand, the reverse complement: DICER1 is on the minus strand). VCF-style: chr14-95105203-GAT-CATGAGTTCA. GRCh37 (hg19) VCF-style: chr14-95571540-GAT-CATGAGTTCA.
Other names: c.3135_3137delATCinsTGAACTCATG (NM_177438.2); c.3135_3137delinsTGAACTCATG, p.Ser1046fs (NM_001195573.1, NM_001271282.3, NM_001291628.2 and 1 more transcripts); short protein forms S1046fs.
Identifiers: ClinVar variation 254315 (VCV000254315.4), dbSNP rs886037696, ClinGen allele CA10586435.